The following is an entry in ClinVar:

NM_004836.7(EIF2AK3):c.2921del (p.Pro974fs)

Genes: EIF2AK3 (eukaryotic translation initiation factor 2 alpha kinase 3; minus strand), EIF2AK3-AS1 (EIF2AK3 antisense RNA 1; plus strand). Cytogenetic location: 2p11.2.
Variant type: Deletion.
Coding change: c.2921del on transcript NM_004836.7 (MANE Select); coding-DNA position 2921, one base deleted (C; older notation c.2921delC).
Protein change: p.Pro974fs; shifts the reading frame from proline 974.
Molecular consequence: frameshift variant.
Genome position (GRCh38, 1-based): chr2:88,570,938, G deleted on the plus strand (C on the coding strand, the reverse complement: EIF2AK3 is on the minus strand); the first of 4 consecutive G bases (chr2:88,570,938-88,570,941); deleting any one gives the same sequence. VCF-style (leftmost placement, unchanged base first): chr2-88570937-TG-T. GRCh37 (hg19) VCF-style: chr2-88870455-TG-T.
Other names: c.2468del, p.Pro823fs (NM_001313915.2); short protein forms P823fs, P974fs.
Identifiers: ClinVar variation 2714050 (VCV002714050.3), dbSNP rs1674291042, ClinGen allele CA2697548348.
Genomic context (GRCh38, chr2:88,570,937, plus strand): 5'-CTCTGGGCTCATATACAGTTTGGTCCCTACTTGTCCTGTGTGTCTGGCATAAGCTGGCAT[TG>T]GGGTCAGAACCGTCTGCTCTTCCTCATCCTGGTCCATTGCAGTCACTAACCCAAAGTCTC-3'

ClinVar aggregate classification (germline): Pathogenic (1 of 4 stars; one submission).

Submission:

Labcorp Genetics (formerly Invitae), Labcorp
Classification: Pathogenic. Last evaluated: 2023-06-14. Review status: criteria provided, single submitter. Criteria: Invitae Variant Classification Sherloc (09022015). Collection method: clinical testing. Allele origin: germline.
Comment: For these reasons, this variant has been classified as Pathogenic. This variant has not been reported in the literature in individuals affected with EIF2AK3-related conditions. This variant is not present in population databases (gnomAD no frequency). This sequence change creates a premature translational stop signal (p.Pro974Glnfs*12) in the EIF2AK3 gene. It is expected to result in an absent or disrupted protein product. Loss-of-function variants in EIF2AK3 are known to be pathogenic (PMID: 11997520).

Literature cited by the submitters: PubMed 11997520.